The following is an entry in ClinVar:

ClinVar aggregate classification (germline): Uncertain significance (1 of 4 stars; one submission).

Conditions:
Primary ciliary dyskinesia 16. Also called: CILIARY DYSKINESIA, PRIMARY, 16, WITH OR WITHOUT SITUS INVERSUS. Identifiers: Orphanet 244, MedGen C3151460, MONDO:0013525, OMIM 614017.

gnomAD v4.1: 1 of 1,518,314 alleles (0.000066%); highest among the groups gnomAD compares: Non-Finnish European, 0.000088%; no homozygotes.

Submission:

Labcorp Genetics (formerly Invitae), Labcorp
Classification: Uncertain significance for Primary ciliary dyskinesia 16. Last evaluated: 2022-08-16. Review status: criteria provided, single submitter. Criteria: Invitae Variant Classification Sherloc (09022015). Collection method: clinical testing. Allele origin: germline.
Comment: In summary, the available evidence is currently insufficient to determine the role of this variant in disease. Therefore, it has been classified as a Variant of Uncertain Significance. Algorithms developed to predict the effect of missense changes on protein structure and function (SIFT, PolyPhen-2, Align-GVGD) all suggest that this variant is likely to be tolerated. ClinVar contains an entry for this variant (Variation ID: 1378690). This variant has not been reported in the literature in individuals affected with DNAL1-related conditions. This variant is not present in population databases (gnomAD no frequency). This sequence change replaces methionine, which is neutral and non-polar, with valine, which is neutral and non-polar, at codon 46 of the DNAL1 protein (p.Met46Val).

NM_031427.4(DNAL1):c.136A>G (p.Met46Val)

Gene: DNAL1 (dynein axonemal light chain 1; plus strand). Cytogenetic location: 14q24.3.
Variant type: single nucleotide variant.
Coding change: c.136A>G on transcript NM_031427.4 (MANE Select); coding-DNA position 136, A replaced by G.
Protein change: p.Met46Val; replaces methionine 46 with valine.
Molecular consequence: missense variant.
Genome position (GRCh38, 1-based): chr14:73,658,940, A>G. VCF-style: chr14-73658940-A-G. GRCh37 (hg19) VCF-style: chr14-74125643-A-G.
Other names: c.19A>G, p.Met7Val (NM_001201366.2); short protein forms M7V, M46V.
Identifiers: ClinVar variation 1378690 (VCV001378690.6), dbSNP rs2140031013, ClinGen allele CA390320101.
Genomic context (GRCh38, chr14:73,658,940, plus strand): 5'-AAAGAGATAAAACTTTATGCCCAGATTCCCCCTATAGAGAAGATGGATGCATCCTTGTCC[A>G]TGCTTGCTAATTGCGAGTAAGTTCTCTTTTCATCCTTCCAGTATTGCTGTTAGGTTTCCC-3'
Protein context (NP_113615.2, residues 36-56): PIEKMDASLS[Met46Val]LANCEKLSLS